The following is an entry in ClinVar:

ClinVar aggregate classification (germline): other (0 of 4 stars; one submission).

Conditions:
Familial colorectal cancer. Identifiers: MedGen CN280943, MONDO:0023113. Disease mechanism: loss of function.

Submission:

Systems Biology Platform Zhejiang California International NanoSystems Institute
Classification: other for Familial colorectal cancer. Review status: no assertion criteria provided. Collection method: not provided. Allele origin: unknown.
ClinVar note: Converted during submission from cancer to other.

NM_000038.6(APC):c.-19+2868T>G

Gene: APC (APC regulator of WNT signaling pathway; plus strand). Cytogenetic location: 5q22.2.
Variant type: single nucleotide variant.
Coding change: c.-19+2868T>G on transcript NM_000038.6 (MANE Select); 2868 bases into the intron after 19 bases upstream of the start codon, T replaced by G.
Molecular consequence: intron variant.
Genome position (GRCh38, 1-based): chr5:112,740,793, T>G. VCF-style: chr5-112740793-T-G. GRCh37 (hg19) VCF-style: chr5-112076490-T-G.
Other names: c.-18-14080T>G (NM_001354895.2); c.166-25533T>G (NM_001354897.2, NM_001354902.2, NM_001127511.3); c.-19+2333T>G (NM_001127510.3); c.60+2333T>G (NM_001354898.2, NM_001354904.2); c.-1054+2868T>G (NM_001354906.2); c.-19+2868T>G (NM_001354896.2, NM_001354903.2, NM_001354899.2); c.-43+2868T>G (NM_001354900.2, NM_001354901.2, NM_001354905.2).
Identifiers: ClinVar variation 82755 (VCV000082755.2), dbSNP rs77714918, ClinGen allele CA006421.